The following is an entry in ClinVar:

NM_001142800.2(EYS):c.7874G>T (p.Cys2625Phe)

Gene: EYS (EGF-like photoreceptor maintenance factor; minus strand). Cytogenetic location: 6q12.
Variant type: single nucleotide variant.
Coding change: c.7874G>T on transcript NM_001142800.2 (MANE Select); coding-DNA position 7874, G replaced by T.
Protein change: p.Cys2625Phe; replaces cysteine 2625 with phenylalanine.
Molecular consequence: missense variant.
Genome position (GRCh38, 1-based): chr6:63,778,030, C>A on the plus strand (G>T on the coding strand, the complement: EYS is on the minus strand). VCF-style: chr6-63778030-C-A. GRCh37 (hg19) VCF-style: chr6-64487923-C-A.
Other names: c.7874G>T, p.Cys2625Phe (NM_001292009.2); short protein forms C2625F.
Identifiers: ClinVar variation 2989482 (VCV002989482.3), dbSNP rs1385824941, ClinGen allele CA364390453.

ClinVar aggregate classification (germline): Uncertain significance (1 of 4 stars; one submission).

Allele frequency attached by ClinVar (database versions not stated): gnomAD 0.00001; TOPMed 0.00001.
gnomAD v4.1: 1 of 1,551,574 alleles (0.000064%); highest among the groups gnomAD compares: African/African-American, 0.0014%; no homozygotes.

Submission:

Labcorp Genetics (formerly Invitae), Labcorp
Classification: Uncertain significance. Last evaluated: 2023-05-11. Review status: criteria provided, single submitter. Criteria: Invitae Variant Classification Sherloc (09022015). Collection method: clinical testing. Allele origin: germline.
Comment: This sequence change replaces cysteine, which is neutral and slightly polar, with phenylalanine, which is neutral and non-polar, at codon 2625 of the EYS protein (p.Cys2625Phe). This variant is not present in population databases (gnomAD no frequency). This variant has not been reported in the literature in individuals affected with EYS-related conditions. Advanced modeling of protein sequence and biophysical properties (such as structural, functional, and spatial information, amino acid conservation, physicochemical variation, residue mobility, and thermodynamic stability) has been performed at Invitae for this missense variant, however the output from this modeling did not meet the statistical confidence thresholds required to predict the impact of this variant on EYS protein function. In summary, the available evidence is currently insufficient to determine the role of this variant in disease. Therefore, it has been classified as a Variant of Uncertain Significance.